The following is an entry in ClinVar:

ClinVar aggregate classification (germline): Likely pathogenic (1 of 4 stars; one submission).

Conditions:
Retinitis pigmentosa 25 (RP25). Identifiers: Orphanet 791, MedGen C1864446, MONDO:0011272, OMIM 602772.

Submission:

3billion
Classification: Likely pathogenic for Retinitis pigmentosa 25. Last evaluated: 2024-06-27. Review status: criteria provided, single submitter. Criteria: ACMG Guidelines, 2015. Collection method: clinical testing. Allele origin: germline. Affected: yes.
Comment: The variant is not observed in the gnomAD v4.0.0 dataset. Predicted Consequence/Location: Stop-gained (nonsense): predicted to result in a loss or disruption of normal protein function through nonsense-mediated decay (NMD) or protein truncation. Multiple pathogenic variants are reported downstream of the variant. Therefore, this variant is classified as Likely pathogenic according to the recommendation of ACMG/AMP guideline.

NM_001142800.2(EYS):c.2932G>T (p.Glu978Ter)

Gene: EYS (EGF-like photoreceptor maintenance factor; minus strand). Cytogenetic location: 6q12.
Variant type: single nucleotide variant.
Coding change: c.2932G>T on transcript NM_001142800.2 (MANE Select); coding-DNA position 2932, G replaced by T.
Protein change: p.Glu978Ter; replaces glutamic acid 978 with a stop codon.
Molecular consequence: nonsense.
Genome position (GRCh38, 1-based): chr6:64,886,757, C>A on the plus strand (G>T on the coding strand, the complement: EYS is on the minus strand). VCF-style: chr6-64886757-C-A. GRCh37 (hg19) VCF-style: chr6-65596650-C-A.
Other names: c.2932G>T, p.Glu978Ter (NM_001292009.2); short protein forms E978*.
Identifiers: ClinVar variation 4293333 (VCV004293333.1).